The following is an entry in ClinVar:

NM_006796.3(AFG3L2):c.1316A>G (p.Asp439Gly)

Gene: AFG3L2 (AFG3 like matrix AAA peptidase subunit 2; minus strand). Cytogenetic location: 18p11.21.
Variant type: single nucleotide variant.
Coding change: c.1316A>G on transcript NM_006796.3 (MANE Select); coding-DNA position 1316, A replaced by G.
Protein change: p.Asp439Gly; replaces aspartic acid 439 with glycine.
Molecular consequence: missense variant.
Genome position (GRCh38, 1-based): chr18:12,353,007, T>C on the plus strand (A>G on the coding strand, the complement: AFG3L2 is on the minus strand). VCF-style: chr18-12353007-T-C. GRCh37 (hg19) VCF-style: chr18-12353006-T-C.
Other names: short protein forms D439G.
Identifiers: ClinVar variation 3571710 (VCV003571710.2).
Genomic context (GRCh38, chr18:12,353,007, plus strand): 5'-CCATCTCAAAAAAAAAAACAAAAGTGCAGTTAAAGATACAAAAGCCTTGACCACTCACCA[T>C]CCATCTCCACCAGCAGCTGGTTGAGTGTGTTCTCCTGCTCACTCTGCCCTCCAAAGTTGC-3'
Protein context (NP_006787.2, residues 429-449): NTLNQLLVEM[Asp439Gly]GFNTTTNVVI

ClinVar aggregate classification (germline): Uncertain significance. Review status: criteria provided, multiple submitters, no conflicts (2 of 4 stars). 2 submissions from 2 submitters: Uncertain significance (2). Last evaluated 2025-02-25.

Submissions (2):

Women's Health and Genetics/Laboratory Corporation of America, LabCorp
Classification: Uncertain significance. Last evaluated: 2025-02-25. Review status: criteria provided, single submitter. Criteria: LabCorp Variant Classification Summary - May 2015. Collection method: clinical testing. Allele origin: germline.
Comment: Variant summary: AFG3L2 c.1316A>G (p.Asp439Gly) results in a non-conservative amino acid change in the encoded protein sequence. Five of five in-silico tools predict a damaging effect of the variant on protein function. Consensus agreement among computation tools predict no significant impact on normal splicing. However, these predictions have yet to be confirmed by functional studies. The variant was absent in 251486 control chromosomes (gnomAD). The available data on variant occurrences in the general population are insufficient to allow any conclusion about variant significance. To our knowledge, no occurrence of c.1316A>G in individuals affected with Spinocerebellar Ataxia Type 28 and no experimental evidence demonstrating its impact on protein function have been reported. No submitters have cited clinical-significance assessments for this variant to ClinVar. Based on the evidence outlined above, the variant was classified as uncertain significance.

Athena Diagnostics
Classification: Uncertain significance. Last evaluated: 2024-07-11. Review status: criteria provided, single submitter. Criteria: Athena Diagnostics Criteria. Collection method: clinical testing. Allele origin: unknown.
Comment: Available data are insufficient to determine the clinical significance of the variant at this time. This variant has not been reported in large, multi-ethnic general populations. Polyphen and MutationTaster predict this amino acid change may be damaging to the protein. The variant is located in a region that is considered important for protein function and/or structure.